The following is an entry in ClinVar:

NM_000039.3(APOA1):c.327G>A (p.Glu109=)

Genes: APOA1-AS (APOA1 antisense RNA; plus strand), APOA1 (apolipoprotein A1; minus strand). Cytogenetic location: 11q23.3.
Variant type: single nucleotide variant.
Coding change: c.327G>A on transcript NM_000039.3 (MANE Select); coding-DNA position 327, G replaced by A.
Protein change: p.Glu109=; no amino-acid change (glutamic acid 109 retained).
Molecular consequence: synonymous variant.
Genome position (GRCh38, 1-based): chr11:116,836,285, C>T on the plus strand (G>A on the coding strand, the complement: APOA1 is on the minus strand). VCF-style: chr11-116836285-C-T. GRCh37 (hg19) VCF-style: chr11-116707001-C-T.
Other names: c.327G>A, p.Glu109= (NM_001318017.2, NM_001318018.2); c.-1G>A (NM_001318021.2).
Identifiers: ClinVar variation 734624 (VCV000734624.16), dbSNP rs113733249, ClinGen allele CA6289825.

ClinVar aggregate classification (germline): Likely benign. Review status: criteria provided, multiple submitters, no conflicts (2 of 4 stars). 6 submissions from 6 submitters: Likely benign (3). 3 of the submissions do not count toward it. Last evaluated 2025-12-01.

Conditions:
APOA1-related disorder. Also called: APOA1-related condition.
Cardiovascular phenotype. Identifiers: MedGen CN230736.

Allele frequency attached by ClinVar (database versions not stated): gnomAD exomes 0.00005 and 0.00010; ExAC 0.00012; gnomAD 0.00028 and 0.00031; ESP Exome Variant Server 0.00031; TOPMed 0.00033; 1000 Genomes Project 30x 0.00047; 1000 Genomes Project 0.00060.
gnomAD v4.1: 124 of 1,614,232 alleles (0.0077%); highest among the groups gnomAD compares: African/African-American, 0.11%; 1 homozygote.

Submissions (6):

Labcorp Genetics (formerly Invitae), Labcorp
Classification: Likely benign. Last evaluated: 2025-12-01. Review status: criteria provided, single submitter. Criteria: Invitae Variant Classification Sherloc (09022015). Collection method: clinical testing. Allele origin: germline.

Blueprint Genetics
Classification: Likely benign. Last evaluated: 2024-10-23. Review status: criteria provided, single submitter. Criteria: ACMG Guidelines, 2015. Collection method: clinical testing. Allele origin: germline.

Ambry Genetics
Classification: Likely benign for Cardiovascular phenotype. Last evaluated: 2023-06-30. Review status: criteria provided, single submitter. Criteria: Ambry Variant Classification Scheme 2023. Collection method: clinical testing. Allele origin: germline.

PreventionGenetics, part of Exact Sciences
Classification: Likely benign for APOA1-related condition. Last evaluated: 2019-02-21. Review status: no assertion criteria provided. Collection method: clinical testing. Allele origin: germline. Not counted in ClinVar's aggregate classification.
Comment: This variant is classified as likely benign based on ACMG/AMP sequence variant interpretation guidelines (Richards et al. 2015 PMID: 25741868, with internal and published modifications).

Clinical Genetics, Academic Medical Center
Classification: Benign. Review status: no assertion criteria provided. Collection method: clinical testing. Allele origin: germline. Affected: yes. Study: VKGL Data-share Consensus. Not counted in ClinVar's aggregate classification.

Genome Diagnostics Laboratory, University Medical Center Utrecht
Classification: Likely benign. Review status: no assertion criteria provided. Collection method: clinical testing. Allele origin: germline. Affected: yes. Study: VKGL Data-share Consensus. Not counted in ClinVar's aggregate classification.